The following is an entry in ClinVar:

ClinVar aggregate classification (germline): Likely benign. Review status: criteria provided, multiple submitters, no conflicts (2 of 4 stars). 4 submissions from 4 submitters: Likely benign (4). Last evaluated 2025-11-10.

Conditions:
Polycystic liver disease 4 with or without kidney cysts. Identifiers: MedGen C4693479, MONDO:0044327, OMIM 617875.
Exudative vitreoretinopathy 4 (EVR4). Identifiers: Orphanet 891, MedGen C1866176, MONDO:0011151, OMIM 601813.
Bone mineral density quantitative trait locus 1 (BMND1). Identifiers: MedGen C1866079, OMIM 601884.
Autosomal dominant osteopetrosis 1 (OPTA1). Also called: OSTEOPETROSIS, AUTOSOMAL DOMINANT, TYPE I. Identifiers: Orphanet 2783, MedGen C1843330, MONDO:0011877, OMIM 607634.
Worth disease. Also called: OSTEOSCLEROSIS, AUTOSOMAL DOMINANT; ENDOSTEAL HYPEROSTOSIS, AUTOSOMAL DOMINANT; Autosomal dominant osteosclerosis, Worth type. Identifiers: Orphanet 2790, MedGen C0432273, MONDO:0007764, OMIM 144750.
Osteoporosis. Identifiers: MedGen C0029456, MONDO:0005298, OMIM 166710, HP:0000939.
Osteoporosis with pseudoglioma (OPPG). Also called: osteoporosis-pseudoglioma syndrome. Identifiers: Orphanet 2788, MedGen C0432252, MONDO:0009820, OMIM 259770.
Exudative vitreoretinopathy 1 (EVR1). Also called: CRISWICK-SCHEPENS SYNDROME; FEVR, AUTOSOMAL DOMINANT; Familial exudative vitreoretinopathy, autosomal dominant. Identifiers: Orphanet 891, Orphanet 90050, MedGen C1851402, MONDO:0007589, OMIM 133780.
LRP5-related disorder. Also called: LRP5-related condition.

Allele frequency attached by ClinVar (database versions not stated): gnomAD exomes 0.00003 and 0.00008; ExAC 0.00004; gnomAD 0.00007; TOPMed 0.00007.
gnomAD v4.1: 130 of 1,613,730 alleles (0.0081%); highest among the groups gnomAD compares: Non-Finnish European, 0.0097%; no homozygotes.

Submissions (4):

Labcorp Genetics (formerly Invitae), Labcorp
Classification: Likely benign. Last evaluated: 2025-11-10. Review status: criteria provided, single submitter. Criteria: Invitae Variant Classification Sherloc (09022015). Collection method: clinical testing. Allele origin: germline.

PreventionGenetics, part of Exact Sciences
Classification: Likely benign for LRP5-related condition. Last evaluated: 2025-04-17. Review status: criteria provided, single submitter. Criteria: ACMG Guidelines, 2015. Collection method: clinical testing. Allele origin: germline.
Comment: This variant is classified as likely benign based on ACMG/AMP sequence variant interpretation guidelines (Richards et al. 2015 PMID: 25741868, with internal and published modifications).

Blueprint Genetics
Classification: Likely benign. Last evaluated: 2022-09-12. Review status: criteria provided, single submitter. Criteria: ACMG Guidelines, 2015. Collection method: clinical testing. Allele origin: germline.

Fulgent Genetics
Classification: Likely benign for Exudative vitreoretinopathy 1; Worth disease; Osteoporosis; Osteoporosis with pseudoglioma; Exudative vitreoretinopathy 4; Bone mineral density quantitative trait locus 1; Autosomal dominant osteopetrosis 1; Polycystic liver disease 4 with or without kidney cysts. Last evaluated: 2022-04-19. Review status: criteria provided, single submitter. Criteria: ACMG Guidelines, 2015. Collection method: clinical testing. Allele origin: unknown.

NM_002335.4(LRP5):c.4065C>T (p.Cys1355=)

Gene: LRP5 (LDL receptor related protein 5; plus strand). Cytogenetic location: 11q13.2.
Variant type: single nucleotide variant.
Coding change: c.4065C>T on transcript NM_002335.4 (MANE Select); coding-DNA position 4065, C replaced by T.
Protein change: p.Cys1355=; no amino-acid change (cysteine 1355 retained).
Molecular consequence: synonymous variant.
Genome position (GRCh38, 1-based): chr11:68,436,953, C>T. VCF-style: chr11-68436953-C-T. GRCh37 (hg19) VCF-style: chr11-68204421-C-T.
Other names: c.2322C>T, p.Cys774= (NM_001291902.2).
Identifiers: ClinVar variation 754289 (VCV000754289.12), dbSNP rs770762272, ClinGen allele CA6150220.